The following is an entry in ClinVar:

NM_001572.5(IRF7):c.1289T>A (p.Ile430Asn)

Gene: IRF7 (interferon regulatory factor 7; minus strand). Cytogenetic location: 11p15.5.
Variant type: single nucleotide variant.
Coding change: c.1289T>A on transcript NM_001572.5 (MANE Select); coding-DNA position 1289, T replaced by A.
Protein change: p.Ile430Asn; replaces isoleucine 430 with asparagine.
Molecular consequence: missense variant.
Genome position (GRCh38, 1-based): chr11:613,066, A>T on the plus strand (T>A on the coding strand, the complement: IRF7 is on the minus strand). VCF-style: chr11-613066-A-T. GRCh37 (hg19) VCF-style: chr11-613066-A-T.
Other names: c.1202T>A, p.Ile401Asn (NM_004029.4); c.1328T>A, p.Ile443Asn (NM_004031.4); short protein forms I443N, I401N, I430N.
Identifiers: ClinVar variation 2844582 (VCV002844582.3), dbSNP rs1856533236, ClinGen allele CA378976995.
Genomic context (GRCh38, chr11:613,066, plus strand): 5'-AGGACCAGGCTCTTCTCCTTGGGCCTCCCAGCTGACAGGTCCTGCCCGAAGCCCAGGTAG[A>T]TGGTATAGCGTGGGGAGCCACGGCGCTGCCGTGCCCGGAATTCCACCAGCTCTGAAGAAG-3'
Protein context (NP_001563.2, residues 420-440): RQRRGSPRYT[Ile430Asn]YLGFGQDLSA

ClinVar aggregate classification (germline): Uncertain significance (1 of 4 stars; one submission).

Conditions:
Immunodeficiency 39 (IMD39). Identifiers: Orphanet 574918, MedGen C4225358, MONDO:0014597, OMIM 616345.

Allele frequency attached by ClinVar (database versions not stated): TOPMed below 0.00001.

Submission:

Labcorp Genetics (formerly Invitae), Labcorp
Classification: Uncertain significance for Immunodeficiency 39. Last evaluated: 2023-10-22. Review status: criteria provided, single submitter. Criteria: Invitae Variant Classification Sherloc (09022015). Collection method: clinical testing. Allele origin: germline.
Comment: This sequence change replaces isoleucine, which is neutral and non-polar, with asparagine, which is neutral and polar, at codon 443 of the IRF7 protein (p.Ile443Asn). This variant is not present in population databases (gnomAD no frequency). This variant has not been reported in the literature in individuals affected with IRF7-related conditions. Advanced modeling of protein sequence and biophysical properties (such as structural, functional, and spatial information, amino acid conservation, physicochemical variation, residue mobility, and thermodynamic stability) performed at Invitae indicates that this missense variant is expected to disrupt IRF7 protein function. In summary, the available evidence is currently insufficient to determine the role of this variant in disease. Therefore, it has been classified as a Variant of Uncertain Significance.